The following is an entry in ClinVar:

NM_005337.5(NCKAP1L):c.213+3G>A

Gene: NCKAP1L (NCK associated protein 1 like; plus strand). Cytogenetic location: 12q13.13.
Variant type: single nucleotide variant.
Coding change: c.213+3G>A on transcript NM_005337.5 (MANE Select); 3 bases into the intron after coding-DNA position 213, G replaced by A.
Molecular consequence: intron variant.
Genome position (GRCh38, 1-based): chr12:54,499,468, G>A. VCF-style: chr12-54499468-G-A. GRCh37 (hg19) VCF-style: chr12-54893252-G-A.
Other names: c.63+3G>A (NM_001184976.2).
Identifiers: ClinVar variation 2054662 (VCV002054662.4), dbSNP rs747734129, ClinGen allele CA6608738.

ClinVar aggregate classification (germline): Uncertain significance (1 of 4 stars; one submission).

Allele frequency attached by ClinVar (database versions not stated): gnomAD exomes 0.00001; gnomAD 0.00003; TOPMed 0.00005; ExAC 0.00007.
gnomAD v4.1: 24 of 1,507,426 alleles (0.0016%); highest among the groups gnomAD compares: Admixed American, 0.028%; no homozygotes.

Submission:

Labcorp Genetics (formerly Invitae), Labcorp
Classification: Uncertain significance. Last evaluated: 2025-10-01. Review status: criteria provided, single submitter. Criteria: Invitae Variant Classification Sherloc (09022015). Collection method: clinical testing. Allele origin: germline.
Comment: This sequence change falls in intron 2 of the NCKAP1L gene. It does not directly change the encoded amino acid sequence of the NCKAP1L protein. It affects a nucleotide within the consensus splice site. This variant is present in population databases (rs747734129, gnomAD 0.03%). This variant has not been reported in the literature in individuals affected with NCKAP1L-related conditions. ClinVar contains an entry for this variant (Variation ID: 2054662). Variants that disrupt the consensus splice site are a relatively common cause of aberrant splicing (PMID: 17576681, 9536098). Algorithms developed to predict the effect of sequence changes on RNA splicing suggest that this variant is not likely to affect RNA splicing. In summary, the available evidence is currently insufficient to determine the role of this variant in disease. Therefore, it has been classified as a Variant of Uncertain Significance.

Literature cited by the submitters: PubMed 17576681; PubMed 9536098.